The following is an entry in ClinVar:

NM_000263.4(NAGLU):c.998_1014del (p.Ala333fs)

Gene: NAGLU (N-acetyl-alpha-glucosaminidase; plus strand). Cytogenetic location: 17q21.2.
Variant type: Deletion.
Coding change: c.998_1014del on transcript NM_000263.4 (MANE Select); coding-DNA positions 998 to 1014, 17 bases deleted (CCGTCTATGAGGCCATG).
Protein change: p.Ala333fs; shifts the reading frame from alanine 333.
Molecular consequence: frameshift variant.
Genome position (GRCh38, 1-based): chr17:42,541,183-42,541,199, CCGTCTATGAGGCCATG deleted; deleting any 17 consecutive bases within chr17:42,541,181-42,541,199 gives the same sequence; the c. name uses the placement nearest the transcript's 3' end. VCF-style (leftmost placement, unchanged base first): chr17-42541180-CTGCCGTCTATGAGGCCA-C. GRCh37 (hg19) VCF-style: chr17-40693198-CTGCCGTCTATGAGGCCA-C.
Other names: short protein forms A333fs.
Identifiers: ClinVar variation 1997741 (VCV001997741.4), dbSNP rs2510656745, ClinGen allele CA2580094136.

ClinVar aggregate classification (germline): Pathogenic (1 of 4 stars; one submission).

Conditions:
Mucopolysaccharidosis, MPS-III-B (MPS3B). Also called: N-ACETYL-ALPHA-D-GLUCOSAMINIDASE DEFICIENCY; NAGLU DEFICIENCY; SANFILIPPO SYNDROME B; MPS III B; Mucopolysaccharidosis type IIIB (Sanfilippo B); MPS IIIB (Sanfilippo Syndrome Type B). Identifiers: Orphanet 79270, MedGen C0086648, MONDO:0009656, OMIM 252920.
Charcot-Marie-Tooth disease axonal type 2V. Also called: CHARCOT-MARIE-TOOTH NEUROPATHY, TYPE 2V; CHARCOT-MARIE-TOOTH DISEASE, AXONAL, AUTOSOMAL DOMINANT, TYPE 2V. Identifiers: Orphanet 447964, MedGen C5569050, MONDO:0014665, OMIM 616491.

Submission:

Labcorp Genetics (formerly Invitae), Labcorp
Classification: Pathogenic for Charcot-Marie-Tooth disease axonal type 2V; Mucopolysaccharidosis, MPS-III-B. Last evaluated: 2022-08-31. Review status: criteria provided, single submitter. Criteria: Invitae Variant Classification Sherloc (09022015). Collection method: clinical testing. Allele origin: germline.
Comment: This sequence change creates a premature translational stop signal (p.Ala333Aspfs*6) in the NAGLU gene. While this is not anticipated to result in nonsense mediated decay, it is expected to disrupt the last 411 amino acid(s) of the NAGLU protein. For these reasons, this variant has been classified as Pathogenic. This variant is not present in population databases (gnomAD no frequency). This variant has not been reported in the literature in individuals affected with NAGLU-related conditions. This variant disrupts a region of the NAGLU protein in which other variant(s) (p.Gln706*) have been determined to be pathogenic (PMID: 9443875, 29661560). This suggests that this is a clinically significant region of the protein, and that variants that disrupt it are likely to be disease-causing.

Literature cited by the submitters: PubMed 9443875; PubMed 29661560.